The following is an entry in ClinVar:

NM_001130145.3(YAP1):c.100G>A (p.Gly34Arg)

Gene: YAP1 (Yes1 associated transcriptional regulator; plus strand). Cytogenetic location: 11q22.1.
Variant type: single nucleotide variant.
Coding change: c.100G>A on transcript NM_001130145.3 (MANE Select); coding-DNA position 100, G replaced by A.
Protein change: p.Gly34Arg; replaces glycine 34 with arginine.
Molecular consequence: missense variant.
Genome position (GRCh38, 1-based): chr11:102,110,948, G>A. VCF-style: chr11-102110948-G-A. GRCh37 (hg19) VCF-style: chr11-101981679-G-A.
Other names: c.100G>A, p.Gly34Arg (NM_001195044.2, NM_001282097.2, NM_001282098.2 and 4 more transcripts); short protein forms G34R.
Identifiers: ClinVar variation 3672017 (VCV003672017.2).
Genomic context (GRCh38, chr11:102,110,948, plus strand): 5'-CAGGGCCAAGGGCAGCCGCCTTCGCAGCCCCCGCAGGGGCAGGGCCCGCCGTCCGGACCC[G>A]GGCAACCGGCACCCGCGGCGACCCAGGCGGCGCCGCAGGCACCCCCCGCCGGGCATCAGA-3'
Protein context (NP_001123617.1, residues 24-44): PQGQGPPSGP[Gly34Arg]QPAPAATQAA

ClinVar aggregate classification (germline): Uncertain significance (1 of 4 stars; one submission).

gnomAD v4.1: 142 of 1,504,112 alleles (0.0094%); highest among the groups gnomAD compares: Non-Finnish European, 0.012%; no homozygotes.

Submission:

Labcorp Genetics (formerly Invitae), Labcorp
Classification: Uncertain significance. Last evaluated: 2024-10-31. Review status: criteria provided, single submitter. Criteria: Invitae Variant Classification Sherloc (09022015). Collection method: clinical testing. Allele origin: germline.
Comment: This sequence change replaces glycine, which is neutral and non-polar, with arginine, which is basic and polar, at codon 34 of the YAP1 protein (p.Gly34Arg). This variant is present in population databases (rs773573203, gnomAD 0.01%). This variant has not been reported in the literature in individuals affected with YAP1-related conditions. Experimental studies and prediction algorithms are not available or were not evaluated, and the functional significance of this variant is currently unknown. In summary, the available evidence is currently insufficient to determine the role of this variant in disease. Therefore, it has been classified as a Variant of Uncertain Significance.